The following is an entry in ClinVar:

NM_005359.6(SMAD4):c.198T>C (p.Ala66=)

Gene: SMAD4 (SMAD family member 4; plus strand). Cytogenetic location: 18q21.2.
Variant type: single nucleotide variant.
Coding change: c.198T>C on transcript NM_005359.6 (MANE Select); coding-DNA position 198, T replaced by C.
Protein change: p.Ala66=; no amino-acid change (alanine 66 retained).
Molecular consequence: synonymous variant.
Genome position (GRCh38, 1-based): chr18:51,047,244, T>C. VCF-style: chr18-51047244-T-C. GRCh37 (hg19) VCF-style: chr18-48573614-T-C.
Identifiers: ClinVar variation 630718 (VCV000630718.8), dbSNP rs1568203034, ClinGen allele CA503873487.

ClinVar aggregate classification (germline): Benign/Likely benign. Review status: criteria provided, multiple submitters, no conflicts (2 of 4 stars). 4 submissions from 4 submitters: Benign (1); Likely benign (3). Last evaluated 2025-03-18.

Conditions:
Hereditary cancer-predisposing syndrome. Also called: Hereditary neoplastic syndrome; Neoplastic Syndromes, Hereditary; Tumor predisposition; Hereditary Cancer Syndrome. Identifiers: Orphanet 140162, MedGen C0027672, MeSH D009386, MONDO:0015356.
Familial thoracic aortic aneurysm and aortic dissection (TAAD). Also called: Thoracic aortic aneurysms and dissections. Identifiers: Orphanet 91387, MedGen C4707243, MONDO:0019625.
Juvenile polyposis syndrome (JPS). Identifiers: Orphanet 2929, MedGen C0345893, MONDO:0017380, OMIM 174900.
Juvenile polyposis/hereditary hemorrhagic telangiectasia syndrome (JPHT). Also called: Juvenile Polyposis Syndrome / Hereditary Hemorrhagic Telangiectasia (JPS/HHT); JP/HHT SYNDROME; JUVENILE POLYPOSIS WITH HEREDITARY HEMORRHAGIC TELANGIECTASIA; POLYPOSIS, GENERALIZED JUVENILE, WITH PULMONARY ARTERIOVENOUS MALFORMATION; TELANGIECTASIA, HEREDITARY HEMORRHAGIC, WITH JUVENILE POLYPOSIS COLI. Identifiers: Orphanet 2929, MedGen C1832942, MONDO:0008278, OMIM 175050.

Submissions (4):

Myriad Genetics, Inc.
Classification: Benign for Juvenile polyposis/hereditary hemorrhagic telangiectasia syndrome. Last evaluated: 2025-03-18. Review status: criteria provided, single submitter. Criteria: Myriad Autosomal Dominant, Autosomal Recessive and X-Linked Classification Criteria (2023). Collection method: clinical testing. Allele origin: unknown.
Comment: This variant is considered benign. This variant is a silent/synonymous amino acid change and it is not expected to impact splicing.

Labcorp Genetics (formerly Invitae), Labcorp
Classification: Likely benign for Juvenile polyposis syndrome. Last evaluated: 2023-07-26. Review status: criteria provided, single submitter. Criteria: Invitae Variant Classification Sherloc (09022015). Collection method: clinical testing. Allele origin: germline.

Ambry Genetics
Classification: Likely benign for Hereditary cancer-predisposing syndrome; Familial thoracic aortic aneurysm and aortic dissection. Last evaluated: 2021-08-16. Review status: criteria provided, single submitter. Criteria: Ambry Variant Classification Scheme 2023. Collection method: clinical testing. Allele origin: germline.

Color Diagnostics, LLC DBA Color Health
Classification: Likely benign for Hereditary cancer-predisposing syndrome. Last evaluated: 2017-10-24. Review status: criteria provided, single submitter. Criteria: ACMG Guidelines, 2015. Collection method: clinical testing. Allele origin: germline.